The following is an entry in ClinVar:

NM_005989.4(AKR1D1):c.856-10G>A

Gene: AKR1D1 (aldo-keto reductase family 1 member D1; plus strand). Cytogenetic location: 7q33.
Variant type: single nucleotide variant.
Coding change: c.856-10G>A on transcript NM_005989.4 (MANE Select); 10 bases into the intron before coding-DNA position 856, G replaced by A.
Molecular consequence: intron variant.
Genome position (GRCh38, 1-based): chr7:138,113,680, G>A. VCF-style: chr7-138113680-G-A. GRCh37 (hg19) VCF-style: chr7-137798426-G-A.
Other names: p.?; c.856-2940G>A (NM_001190907.2); c.733-10G>A (NM_001190906.2).
Identifiers: ClinVar variation 259894 (VCV000259894.13), dbSNP rs17169518, ClinGen allele CA4502857.

ClinVar aggregate classification (germline): Benign. Review status: criteria provided, multiple submitters, no conflicts (2 of 4 stars). 6 submissions from 6 submitters: Benign (6). Last evaluated 2026-01-28.

Conditions:
Congenital bile acid synthesis defect 2 (CBAS2). Also called: CHOLESTASIS WITH DELTA(4)-3-OXOSTEROID 5-BETA-REDUCTASE DEFICIENCY. Identifiers: Orphanet 79303, MedGen C1856127, MONDO:0009339, OMIM 235555.

Allele frequency attached by ClinVar (database versions not stated): gnomAD exomes 0.03390; ExAC 0.03550; 1000 Genomes Project 0.03874; 1000 Genomes Project 30x 0.04044; gnomAD 0.04533 and 0.04717; TOPMed 0.04549; ESP Exome Variant Server 0.04990.
gnomAD v4.1: 66,512 of 1,611,990 alleles (4.1%); highest among the groups gnomAD compares: African/African-American, 6.8%; 1,620 homozygotes.

Submissions (6):

Labcorp Genetics (formerly Invitae), Labcorp
Classification: Benign. Last evaluated: 2026-01-28. Review status: criteria provided, single submitter. Criteria: Invitae Variant Classification Sherloc (09022015). Collection method: clinical testing. Allele origin: germline.

Mayo Clinic Laboratories, Mayo Clinic
Classification: Benign. Last evaluated: 2022-03-03. Review status: criteria provided, single submitter. Criteria: ACMG Guidelines, 2015. Collection method: clinical testing. Allele origin: germline. Observed: 46 variant alleles.

GeneDx
Classification: Benign. Last evaluated: 2021-06-09. Review status: criteria provided, single submitter. Criteria: GeneDx Variant Classification Process June 2021. Collection method: clinical testing. Allele origin: germline. Affected: yes.

Illumina Laboratory Services, Illumina
Classification: Benign for Congenital bile acid synthesis defect 2. Last evaluated: 2018-01-13. Review status: criteria provided, single submitter. Criteria: ICSL Variant Classification Criteria 13 December 2019. Collection method: clinical testing. Allele origin: germline.
Comment: This variant was observed in the ICSL laboratory as part of a predisposition screen in an ostensibly healthy population. It had not been previously curated by ICSL or reported in the Human Gene Mutation Database (HGMD: prior to June 1st, 2018), and was therefore a candidate for classification through an automated scoring system. Utilizing variant allele frequency, disease prevalence and penetrance estimates, and inheritance mode, an automated score was calculated to assess if this variant is too frequent to cause the disease. Based on the score and internal cut-off values, a variant classified as benign is not then subjected to further curation. The score for this variant resulted in a classification of benign for this disease.

Breakthrough Genomics
Classification: Benign. Review status: criteria provided, single submitter. Criteria: ACMG Guidelines, 2015. Collection method: not provided. Allele origin: germline. Inheritance: Autosomal recessive inheritance. Affected: yes.

PreventionGenetics, part of Exact Sciences
Classification: Benign. Review status: criteria provided, single submitter. Criteria: ACMG Guidelines, 2015. Collection method: clinical testing. Allele origin: germline.